The following is an entry in ClinVar:

NM_006516.4(SLC2A1):c.1351A>T (p.Lys451Ter)

Gene: SLC2A1 (solute carrier family 2 member 1; minus strand). Cytogenetic location: 1p34.2.
Variant type: single nucleotide variant.
Coding change: c.1351A>T on transcript NM_006516.4 (MANE Select); coding-DNA position 1351, A replaced by T.
Protein change: p.Lys451Ter; replaces lysine 451 with a stop codon.
Molecular consequence: nonsense.
Genome position (GRCh38, 1-based): chr1:42,927,169, T>A on the plus strand (A>T on the coding strand, the complement: SLC2A1 is on the minus strand). VCF-style: chr1-42927169-T-A. GRCh37 (hg19) VCF-style: chr1-43392840-T-A.
Other names: short protein forms K451*.
Identifiers: ClinVar variation 2844809 (VCV002844809.3), dbSNP rs1643435901, ClinGen allele CA339953229.
Genomic context (GRCh38, chr1:42,927,169, plus strand): 5'-CCCCCTGCCGGAAGCCGGAAGCGATCTCATCGAAGGTCCGGCCTTTAGTCTCAGGAACTT[T>A]GAAGTAGGTGAAGATGAAGAACAGAACCAGGAGCACAGTGAAGATGATGAAGACGTAGGG-3'

ClinVar aggregate classification (germline): Pathogenic (1 of 4 stars; one submission).

Conditions:
GLUT1 deficiency syndrome 1, autosomal recessive. Identifiers: MedGen C3149117.

Submission:

Labcorp Genetics (formerly Invitae), Labcorp
Classification: Pathogenic for GLUT1 deficiency syndrome 1, autosomal recessive. Last evaluated: 2025-02-06. Review status: criteria provided, single submitter. Criteria: Invitae Variant Classification Sherloc (09022015). Collection method: clinical testing. Allele origin: germline.
Comment: This sequence change creates a premature translational stop signal (p.Lys451*) in the SLC2A1 gene. While this is not anticipated to result in nonsense mediated decay, it is expected to disrupt the last 42 amino acid(s) of the SLC2A1 protein. This variant is not present in population databases (gnomAD no frequency). This variant has not been reported in the literature in individuals affected with SLC2A1-related conditions. ClinVar contains an entry for this variant (Variation ID: 2844809). This variant disrupts a region of the SLC2A1 protein in which other variant(s) (p.Pro485Leu) have been determined to be pathogenic (PMID: 18387950, 19237265, 20129935, 30197081, 32802945). This suggests that this is a clinically significant region of the protein, and that variants that disrupt it are likely to be disease-causing. For these reasons, this variant has been classified as Pathogenic.

Literature cited by the submitters: PubMed 18387950; PubMed 19237265; PubMed 20129935; PubMed 30197081; PubMed 32802945.